The following is an entry in ClinVar:

NM_001844.5(COL2A1):c.3160G>A (p.Val1054Ile)

Gene: COL2A1 (collagen type II alpha 1 chain; minus strand). Cytogenetic location: 12q13.11.
Variant type: single nucleotide variant.
Coding change: c.3160G>A on transcript NM_001844.5 (MANE Select); coding-DNA position 3160, G replaced by A.
Protein change: p.Val1054Ile; replaces valine 1054 with isoleucine.
Molecular consequence: missense variant.
Genome position (GRCh38, 1-based): chr12:47,977,605, C>T on the plus strand (G>A on the coding strand, the complement: COL2A1 is on the minus strand). VCF-style: chr12-47977605-C-T. GRCh37 (hg19) VCF-style: chr12-48371388-C-T.
Other names: c.2953G>A, p.Val985Ile (NM_033150.3); short protein forms V1054I, V985I.
Identifiers: ClinVar variation 1003699 (VCV001003699.12), dbSNP rs371635111, ClinGen allele CA236521162.
Genomic context (GRCh38, chr12:47,977,605, plus strand): 5'-GGCCCGAGGCAATGTCCTCCCCAACCCACTGCACACACAGACACCAGACACTCACCTTGA[C>T]TCCAGCAGCGCCATCTCTGCCAGGGGGGCCATCAGCACCGGGGCTTCCCTGGACAAAGTG-3'
Protein context (NP_001835.3, residues 1044-1064): GPPGRDGAAG[Val1054Ile]KGDRGETGAV

ClinVar aggregate classification (germline): Conflicting classifications of pathogenicity. Review status: criteria provided, conflicting classifications (1 of 4 stars). 3 submissions from 3 submitters: Uncertain significance (1); Likely benign (1). 1 of the submissions does not count toward it. Last evaluated 2024-11-18.

Conditions:
COL2A1-related disorder. Also called: COL2A1-related condition; COL2A1-related disorders.
Achondrogenesis type II (ACG2). Also called: ACHONDROGENESIS, LANGER-SALDINO TYPE; CHONDROGENESIS IMPERFECTA. Identifiers: Orphanet 932, Orphanet 93296, MedGen C0220685, MONDO:0008702, OMIM 200610.

Allele frequency attached by ClinVar (database versions not stated): gnomAD exomes below 0.00001; gnomAD 0.00001; TOPMed 0.00001.
gnomAD v4.1: 6 of 1,613,974 alleles (0.00037%); highest among the groups gnomAD compares: Middle Eastern, 0.016%; no homozygotes.

Submissions (3):

Labcorp Genetics (formerly Invitae), Labcorp
Classification: Likely benign. Last evaluated: 2024-11-18. Review status: criteria provided, single submitter. Criteria: Invitae Variant Classification Sherloc (09022015). Collection method: clinical testing. Allele origin: germline.

Baylor Genetics
Classification: Uncertain significance for Achondrogenesis type II. Last evaluated: 2020-01-15. Review status: criteria provided, single submitter. Criteria: ACMG Guidelines, 2015. Collection method: clinical testing. Allele origin: unknown. Affected: yes.
Comment: This variant was determined to be of uncertain significance according to ACMG Guidelines, 2015 [PMID:25741868].

PreventionGenetics, part of Exact Sciences
Classification: Uncertain significance for COL2A1-related condition. Last evaluated: 2024-08-13. Review status: no assertion criteria provided. Collection method: clinical testing. Allele origin: germline. Not counted in ClinVar's aggregate classification.
Comment: The COL2A1 c.3160G>A variant is predicted to result in the amino acid substitution p.Val1054Ile. To our knowledge, this variant has not been reported in the literature. This variant is reported in 0.0029% of alleles in individuals of Latino descent in gnomAD. At this time, the clinical significance of this variant is uncertain due to the absence of conclusive functional and genetic evidence.